The following is an entry in ClinVar:

ClinVar aggregate classification (germline): Conflicting classifications of pathogenicity. Review status: criteria provided, conflicting classifications (1 of 4 stars). 7 submissions from 7 submitters: Uncertain significance (4); Likely benign (2). 1 of the submissions does not count toward it. Last evaluated 2025-12-22.

Conditions:
G6PC3-related disorder. Also called: G6PC3-related condition.
Inborn genetic diseases. Identifiers: MedGen C0950123, MeSH D030342.
Autosomal recessive severe congenital neutropenia due to G6PC3 deficiency. Also called: NEUTROPENIA, SEVERE CONGENITAL, 4, AUTOSOMAL RECESSIVE; G6PC3 Deficiency. Identifiers: Orphanet 331176, MedGen C2751630, MONDO:0012930, OMIM 612541.

Allele frequency attached by ClinVar (database versions not stated): TOPMed 0.00116; gnomAD 0.00124; ESP Exome Variant Server 0.00131; 1000 Genomes Project 0.00160; 1000 Genomes Project 30x 0.00625.

Submissions (7):

Labcorp Genetics (formerly Invitae), Labcorp
Classification: Likely benign for Autosomal recessive severe congenital neutropenia due to G6PC3 deficiency. Last evaluated: 2025-12-22. Review status: criteria provided, single submitter. Criteria: Invitae Variant Classification Sherloc (09022015). Collection method: clinical testing. Allele origin: germline.

ARUP Laboratories, Molecular Genetics and Genomics, ARUP Laboratories
Classification: Uncertain significance. Last evaluated: 2025-01-13. Review status: criteria provided, single submitter. Criteria: ARUP Molecular Germline Variant Investigation Process 2024. Collection method: clinical testing. Allele origin: germline.
Comment: The G6PC3 c.187A>C; p.Ile63Leu variant (rs34878178), to our knowledge, is not reported in the medical literature but is reported in ClinVar (Variation ID: 738941). This variant is found predominantly in the African/African-American population with an allele frequency of 0.36% (89/24932 alleles) in the Genome Aggregation Database (v2.1.1). Computational analyses predict that this variant is neutral (REVEL: 0.107). While the high population frequency suggests that this is likely a benign variant, given the lack of clinical and functional data, the significance of this variant is uncertain at this time.

Ambry Genetics
Classification: Uncertain significance for Inborn genetic diseases. Last evaluated: 2024-10-02. Review status: criteria provided, single submitter. Criteria: Ambry Variant Classification Scheme 2023. Collection method: clinical testing. Allele origin: germline.
Comment: The p.I63L variant (also known as c.187A>C), located in coding exon 1 of the G6PC3 gene, results from an A to C substitution at nucleotide position 187. The isoleucine at codon 63 is replaced by leucine, an amino acid with highly similar properties. This amino acid position is conserved. In addition, this alteration is predicted to be tolerated by in silico analysis. Based on the available evidence, the clinical significance of this variant remains unclear.

Blueprint Genetics
Classification: Uncertain significance. Last evaluated: 2024-09-18. Review status: criteria provided, single submitter. Criteria: ACMG Guidelines, 2015. Collection method: clinical testing. Allele origin: germline.

Genetic Services Laboratory, University of Chicago
Classification: Uncertain significance. Last evaluated: 2021-10-11. Review status: criteria provided, single submitter. Criteria: ACMG Guidelines, 2015. Collection method: clinical testing. Allele origin: germline. Affected: no.
Comment: DNA sequence analysis of the G6PC3 gene demonstrated a sequence change, c.187A>C, in exon 1 that results in an amino acid change, p.Ile63Leu. This sequence change has been described in the gnomAD database with a frequency of 0.36% in the African/African American subpopulation (dbSNP rs34878178). The p.Ile63Leu change affects a moderately conserved amino acid residue located in a domain of the G6PC3 protein that is known to be functional. The p.Ile63Leu substitution appears to be benign using several in-silico pathogenicity prediction tools (SIFT, PolyPhen2, Align GVGD, REVEL). This sequence change does not appear to have been previously described in individuals with G6PC3-related disorders. Due to insufficient evidences and the lack of functional studies, the clinical significance of the p.Ile63Leu change remains unknown at this time.

Illumina Laboratory Services, Illumina
Classification: Likely benign for Autosomal recessive severe congenital neutropenia due to G6PC3 deficiency. Last evaluated: 2018-01-13. Review status: criteria provided, single submitter. Criteria: ICSL Variant Classification Criteria 13 December 2019. Collection method: clinical testing. Allele origin: germline.
Comment: This variant was observed in the ICSL laboratory as part of a predisposition screen in an ostensibly healthy population. It had not been previously curated by ICSL or reported in the Human Gene Mutation Database (HGMD: prior to June 1st, 2018), and was therefore a candidate for classification through an automated scoring system. Utilizing variant allele frequency, disease prevalence and penetrance estimates, and inheritance mode, an automated score was calculated to assess if this variant is too frequent to cause the disease. Based on the score and internal cut-off values, a variant classified as likely benign is not then subjected to further curation. The score for this variant resulted in a classification of likely benign for this disease.

PreventionGenetics, part of Exact Sciences
Classification: Likely benign for G6PC3-related condition. Last evaluated: 2022-02-23. Review status: no assertion criteria provided. Collection method: clinical testing. Allele origin: germline. Not counted in ClinVar's aggregate classification.
Comment: This variant is classified as likely benign based on ACMG/AMP sequence variant interpretation guidelines (Richards et al. 2015 PMID: 25741868, with internal and published modifications).

NM_138387.4(G6PC3):c.187A>C (p.Ile63Leu)

Genes: G6PC3 (glucose-6-phosphatase catalytic subunit 3; plus strand), LOC130060959 (ATAC-STARR-seq lymphoblastoid active region 12250; plus strand). Cytogenetic location: 17q21.31.
Variant type: single nucleotide variant.
Coding change: c.187A>C on transcript NM_138387.4 (MANE Select); coding-DNA position 187, A replaced by C.
Protein change: p.Ile63Leu; replaces isoleucine 63 with leucine.
Molecular consequence: missense variant. On other transcripts: 5 prime UTR variant (3), intron variant (1).
Genome position (GRCh38, 1-based): chr17:44,071,152, A>C. VCF-style: chr17-44071152-A-C. GRCh37 (hg19) VCF-style: chr17-42148520-A-C.
Other names: c.187A>C, p.Ile63Leu (NM_001319945.2); c.-218A>C (NM_001384165.1); c.-353A>C (NM_001384166.1); c.-343A>C (NM_001384167.1); c.-312+438A>C (NM_001384168.1); short protein forms I63L.
Identifiers: ClinVar variation 738941 (VCV000738941.21), dbSNP rs34878178, ClinGen allele CA8595898.
Genomic context (GRCh38, chr17:44,071,152, plus strand): 5'-TTCCCCGCGGCCTACTACGCCTCCCGCCGTGTGGGCATCGCGGTGCTCTGGATCAGCCTC[A>C]TCACCGAGTGGCTCAACCTCATCTTCAAGTGGTGAGACAGAGAAGCCCTCCGGCATCCTG-3'
Protein context (NP_612396.1, residues 53-73): VGIAVLWISL[Ile63Leu]TEWLNLIFKW